The following is an entry in ClinVar:

NM_004656.4(BAP1):c.2096G>T (p.Arg699Leu)

Gene: BAP1 (BRCA1 associated deubiquitinase 1; minus strand). Cytogenetic location: 3p21.1.
Variant type: single nucleotide variant.
Coding change: c.2096G>T on transcript NM_004656.4 (MANE Select); coding-DNA position 2096, G replaced by T.
Protein change: p.Arg699Leu; replaces arginine 699 with leucine.
Molecular consequence: missense variant.
Genome position (GRCh38, 1-based): chr3:52,402,382, C>A on the plus strand (G>T on the coding strand, the complement: BAP1 is on the minus strand). VCF-style: chr3-52402382-C-A. GRCh37 (hg19) VCF-style: chr3-52436398-C-A.
Other names: c.2042G>T, p.Arg681Leu (NM_001410772.1); c.2096G>T (NM_004656.3); short protein forms R681L, R699L.
Identifiers: ClinVar variation 1785802 (VCV001785802.4), dbSNP rs1466334306, ClinGen allele CA353094377.

ClinVar aggregate classification (germline): Conflicting classifications of pathogenicity. Review status: criteria provided, conflicting classifications (1 of 4 stars). 2 submissions from 2 submitters: Uncertain significance (1); Likely benign (1). Last evaluated 2025-07-21.

Conditions:
Hereditary cancer-predisposing syndrome. Also called: Neoplastic Syndromes, Hereditary; Tumor predisposition; Hereditary Cancer Syndrome; Hereditary neoplastic syndrome. Identifiers: Orphanet 140162, MedGen C0027672, MeSH D009386, MONDO:0015356.

Submissions (2):

Ambry Genetics
Classification: Likely benign for Hereditary cancer-predisposing syndrome. Last evaluated: 2025-07-21. Review status: criteria provided, single submitter. Criteria: Ambry Variant Classification Scheme 2023. Collection method: clinical testing. Allele origin: germline.

GeneDx
Classification: Uncertain significance. Last evaluated: 2024-07-31. Review status: criteria provided, single submitter. Criteria: GeneDx Variant Classification Process June 2021. Collection method: clinical testing. Allele origin: germline. Affected: yes.
Comment: Not observed at significant frequency in large population cohorts (gnomAD); In silico analysis supports that this missense variant has a deleterious effect on protein structure/function; Has not been previously published as pathogenic or benign to our knowledge

Literature cited by the submitters: PubMed 38969833 (cited by Ambry Genetics).